The following is an entry in ClinVar:

NM_001042492.3(NF1):c.3315-8T>C

Gene: NF1 (neurofibromin 1; plus strand). Cytogenetic location: 17q11.2.
Variant type: single nucleotide variant.
Coding change: c.3315-8T>C on transcript NM_001042492.3 (MANE Select); 8 bases into the intron before coding-DNA position 3315, T replaced by C.
Molecular consequence: intron variant.
Genome position (GRCh38, 1-based): chr17:31,232,692, T>C. VCF-style: chr17-31232692-T-C. GRCh37 (hg19) VCF-style: chr17-29559710-T-C.
Other names: c.3315-8T>C (NM_000267.4, NM_001042492.2).
Identifiers: ClinVar variation 237547 (VCV000237547.22), dbSNP rs764783865, ClinGen allele CA8486153.

ClinVar aggregate classification (germline): Likely benign. Review status: criteria provided, multiple submitters, no conflicts (2 of 4 stars). 10 submissions from 10 submitters: Likely benign (10). Last evaluated 2026-06-01.

Conditions:
NF1-related disorder. Also called: NF1-related condition. Identifiers: MedGen CN379171.
Neurofibromatosis, type 1 (NF1). Also called: Peripheral type neurofibromatosis; Neurofibromatosis, type I; VON RECKLINGHAUSEN DISEASE; NEUROFIBROMATOSIS, TYPE I, SOMATIC. Identifiers: Orphanet 636, MedGen C0027831, MONDO:0018975, OMIM 162200. Disease mechanism: loss of function.
Neurofibromatosis, familial spinal (FSNF). Identifiers: Orphanet 636, MedGen C1834235, MONDO:0008078, OMIM 162210. Disease mechanism: loss of function.

Allele frequency attached by ClinVar (database versions not stated): gnomAD exomes 0.00001 and 0.00002; ExAC 0.00002; gnomAD 0.00003; TOPMed 0.00005.
gnomAD v4.1: 17 of 1,613,500 alleles (0.0011%); highest among the groups gnomAD compares: Admixed American, 0.017%; no homozygotes.

Submissions (10):

CeGaT Center for Human Genetics Tuebingen
Classification: Likely benign. Last evaluated: 2026-06-01. Review status: criteria provided, single submitter. Criteria: CeGaT Center For Human Genetics Tuebingen Variant Classification Criteria Version 2. Collection method: clinical testing. Allele origin: germline. Affected: yes. Observed: 2 variant alleles.
Comment: NF1: BP4

Myriad Genetics, Inc.
Classification: Likely benign for Neurofibromatosis, type 1. Last evaluated: 2026-05-12. Review status: criteria provided, single submitter. Criteria: Myriad Autosomal Dominant, Autosomal Recessive and X-Linked Classification Criteria (2023). Collection method: clinical testing. Allele origin: unknown.
Comment: This variant is considered likely benign. This variant is intronic and is not expected to impact mRNA splicing.

Labcorp Genetics (formerly Invitae), Labcorp
Classification: Likely benign for Neurofibromatosis, type 1. Last evaluated: 2025-12-20. Review status: criteria provided, single submitter. Criteria: Invitae Variant Classification Sherloc (09022015). Collection method: clinical testing. Allele origin: germline.

PreventionGenetics, part of Exact Sciences
Classification: Likely benign for NF1-related condition. Last evaluated: 2025-11-02. Review status: criteria provided, single submitter. Criteria: ACMG Guidelines, 2015. Collection method: clinical testing. Allele origin: germline.
Comment: This variant is classified as likely benign based on ACMG/AMP sequence variant interpretation guidelines (Richards et al. 2015 PMID: 25741868, with internal and published modifications).

ARUP Laboratories, Molecular Genetics and Genomics, ARUP Laboratories
Classification: Likely benign. Last evaluated: 2025-07-01. Review status: criteria provided, single submitter. Criteria: ARUP Molecular Germline Variant Investigation Process 2024. Collection method: clinical testing. Allele origin: germline.

KCCC/NGS Laboratory, Kuwait Cancer Control Center
Classification: Likely benign for Neurofibromatosis, familial spinal. Last evaluated: 2023-07-07. Review status: criteria provided, single submitter. Criteria: ACMG Guidelines, 2015. Collection method: clinical testing. Allele origin: germline. Affected: yes.

Blueprint Genetics
Classification: Likely benign. Last evaluated: 2022-04-05. Review status: criteria provided, single submitter. Criteria: ACMG Guidelines, 2015. Collection method: clinical testing. Allele origin: germline.

Genome-Nilou Lab
Classification: Likely benign for Neurofibromatosis, type 1. Last evaluated: 2022-03-15. Review status: criteria provided, single submitter. Criteria: ACMG Guidelines, 2015. Collection method: clinical testing. Allele origin: germline. Affected: no.

Genetic Services Laboratory, University of Chicago
Classification: Likely benign. Last evaluated: 2020-09-17. Review status: criteria provided, single submitter. Criteria: ACMG Guidelines, 2015. Collection method: clinical testing. Allele origin: germline. Affected: no.

GeneDx
Classification: Likely benign. Last evaluated: 2019-09-13. Review status: criteria provided, single submitter. Criteria: GeneDx Variant Classification Process June 2021. Collection method: clinical testing. Allele origin: germline. Affected: yes.